The following is an entry in ClinVar:

NM_000038.6(APC):c.531+1421G>A

Gene: APC (APC regulator of WNT signaling pathway; plus strand). Cytogenetic location: 5q22.2.
Variant type: single nucleotide variant.
Coding change: c.531+1421G>A on transcript NM_000038.6 (MANE Select); 1421 bases into the intron after coding-DNA position 531, G replaced by A.
Molecular consequence: intron variant.
Genome position (GRCh38, 1-based): chr5:112,777,158, G>A. VCF-style: chr5-112777158-G-A. GRCh37 (hg19) VCF-style: chr5-112112855-G-A.
Other names: c.531+1421G>A (NM_001354895.2, NM_001127510.3, NM_001354896.2 and 2 more transcripts); c.561+1421G>A (NM_001354897.2, NM_001354902.2, NM_001127511.3); c.456+1421G>A (NM_001354898.2, NM_001354904.2); c.-505+1421G>A (NM_001354906.2); c.354+1421G>A (NM_001354900.2, NM_001354901.2, NM_001354905.2).
Identifiers: ClinVar variation 82920 (VCV000082920.2), dbSNP rs7707339, ClinGen allele CA010098.
Genomic context (GRCh38, chr5:112,777,158, plus strand): 5'-CTTGAAATGTATGACTTAAGGAAATTTTTCAATTTAACTTGAAGTGATTTATTTTTCTTA[G>A]ATTGTTCAGAATGATGGCATTTCAGAAACATTGGATTACCTGTGATTTTTGTTTTGGTAA-3'

ClinVar aggregate classification (germline): other (0 of 4 stars; one submission).

Conditions:
Familial colorectal cancer. Identifiers: MedGen CN280943, MONDO:0023113. Disease mechanism: loss of function.

Allele frequency attached by ClinVar (database versions not stated): gnomAD 0.05166 and 0.05288; TOPMed 0.05739; 1000 Genomes Project 30x 0.09213; 1000 Genomes Project 0.09465.
gnomAD v4.1: 8,015 of 152,132 alleles (5.3%); highest among the groups gnomAD compares: East Asian, 15%; 431 homozygotes.

Submission:

Systems Biology Platform Zhejiang California International NanoSystems Institute
Classification: other for Familial colorectal cancer. Review status: no assertion criteria provided. Collection method: not provided. Allele origin: unknown.
ClinVar note: Converted during submission from cancer to other.